The following is an entry in ClinVar:

NM_000553.6(WRN):c.4178G>A (p.Gly1393Asp)

Gene: WRN (WRN RecQ like helicase; plus strand). Cytogenetic location: 8p12.
Variant type: single nucleotide variant.
Coding change: c.4178G>A on transcript NM_000553.6 (MANE Select); coding-DNA position 4178, G replaced by A.
Protein change: p.Gly1393Asp; replaces glycine 1393 with aspartic acid.
Molecular consequence: missense variant.
Genome position (GRCh38, 1-based): chr8:31,167,217, G>A. VCF-style: chr8-31167217-G-A. GRCh37 (hg19) VCF-style: chr8-31024733-G-A.
Other names: short protein forms G1393D.
Identifiers: ClinVar variation 943390 (VCV000943390.6), dbSNP rs186424616, ClinGen allele CA370910073.

ClinVar aggregate classification (germline): Uncertain significance (1 of 4 stars; one submission).

Conditions:
Werner syndrome (WRN). Identifiers: Orphanet 902, MedGen C0043119, MONDO:0010196, OMIM 277700.

gnomAD v4.1: 2 of 1,612,692 alleles (0.00012%); highest among the groups gnomAD compares: Non-Finnish European, 0.000085%; no homozygotes.

Submission:

Labcorp Genetics (formerly Invitae), Labcorp
Classification: Uncertain significance for Werner syndrome. Last evaluated: 2024-04-16. Review status: criteria provided, single submitter. Criteria: Invitae Variant Classification Sherloc (09022015). Collection method: clinical testing. Allele origin: germline.
Comment: This sequence change replaces glycine, which is neutral and non-polar, with aspartic acid, which is acidic and polar, at codon 1393 of the WRN protein (p.Gly1393Asp). This variant is not present in population databases (gnomAD no frequency). This variant has not been reported in the literature in individuals affected with WRN-related conditions. ClinVar contains an entry for this variant (Variation ID: 943390). Algorithms developed to predict the effect of missense changes on protein structure and function output the following: SIFT: "Not Available"; PolyPhen-2: "Benign"; Align-GVGD: "Not Available". The aspartic acid amino acid residue is found in multiple mammalian species, which suggests that this missense change does not adversely affect protein function. In summary, the available evidence is currently insufficient to determine the role of this variant in disease. Therefore, it has been classified as a Variant of Uncertain Significance.